The following is an entry in ClinVar:

NM_198075.4(LRRC56):c.1066C>T (p.Gln356Ter)

Gene: LRRC56 (leucine rich repeat containing 56; plus strand). Cytogenetic location: 11p15.5.
Variant type: single nucleotide variant.
Coding change: c.1066C>T on transcript NM_198075.4 (MANE Select); coding-DNA position 1066, C replaced by T.
Protein change: p.Gln356Ter; replaces glutamine 356 with a stop codon.
Molecular consequence: nonsense.
Genome position (GRCh38, 1-based): chr11:552,117, C>T. VCF-style: chr11-552117-C-T. GRCh37 (hg19) VCF-style: chr11-552117-C-T.
Other names: c.1066C>T, p.Gln356Ter (NM_001441283.1, NM_001441284.1); c.889C>T, p.Gln297Ter (NM_001441285.1, NM_001441286.1); short protein forms Q356*, Q297*.
Identifiers: ClinVar variation 4725315 (VCV004725315.1).

ClinVar aggregate classification (germline): Pathogenic (1 of 4 stars; one submission).

gnomAD v4.1: 8 of 1,612,192 alleles (0.0005%); highest among the groups gnomAD compares: Non-Finnish European, 0.00068%; no homozygotes.

Submission:

Labcorp Genetics (formerly Invitae), Labcorp
Classification: Pathogenic. Last evaluated: 2025-02-15. Review status: criteria provided, single submitter. Criteria: Invitae Variant Classification Sherloc (09022015). Collection method: clinical testing. Allele origin: germline.
Comment: This sequence change creates a premature translational stop signal (p.Gln356*) in the LRRC56 gene. It is expected to result in an absent or disrupted protein product. Loss-of-function variants in LRRC56 are known to be pathogenic (PMID: 30388400). This variant is present in population databases (no rsID available, gnomAD 0.0009%). This variant has not been reported in the literature in individuals affected with LRRC56-related conditions. Algorithms developed to predict the effect of sequence changes on RNA splicing suggest that this variant may disrupt the consensus splice site. For these reasons, this variant has been classified as Pathogenic.

Literature cited by the submitters: PubMed 30388400.